The following is an entry in ClinVar:

NM_025137.4(SPG11):c.1988A>G (p.Asp663Gly)

Gene: SPG11 (SPG11 vesicle trafficking associated, spatacsin; minus strand). Cytogenetic location: 15q21.1.
Variant type: single nucleotide variant.
Coding change: c.1988A>G on transcript NM_025137.4 (MANE Select); coding-DNA position 1988, A replaced by G.
Protein change: p.Asp663Gly; replaces aspartic acid 663 with glycine.
Molecular consequence: missense variant.
Genome position (GRCh38, 1-based): chr15:44,628,748, T>C on the plus strand (A>G on the coding strand, the complement: SPG11 is on the minus strand). VCF-style: chr15-44628748-T-C. GRCh37 (hg19) VCF-style: chr15-44920946-T-C.
Other names: c.1988A>G, p.Asp663Gly (NM_001160227.2); short protein forms D663G.
Identifiers: ClinVar variation 466511 (VCV000466511.4), dbSNP rs1369245036, ClinGen allele CA392234229.

ClinVar aggregate classification (germline): Uncertain significance. Review status: criteria provided, multiple submitters, no conflicts (2 of 4 stars). 2 submissions from 2 submitters: Uncertain significance (2). Last evaluated 2022-06-13.

Conditions:
Inborn genetic diseases. Identifiers: MedGen C0950123, MeSH D030342.
Hereditary spastic paraplegia 11. Also called: SPASTIC PARAPLEGIA, AUTOSOMAL RECESSIVE, COMPLICATED, WITH THIN CORPUS CALLOSUM; SPASTIC PARAPLEGIA, AUTOSOMAL RECESSIVE, WITH MENTAL IMPAIRMENT AND THIN CORPUS CALLOSUM; Nakamura Osame syndrome; Autosomal recessive hereditary spastic paraplegia, mental impairment, and thin corpus callosum; Spastic paraplegia, mental retardation and thin corpus callosum; Spastic Paraplegia 11. Identifiers: Orphanet 2822, MedGen C1858479, MONDO:0011445, OMIM 604360.

Allele frequency attached by ClinVar (database versions not stated): gnomAD exomes below 0.00001; gnomAD 0.00001; TOPMed 0.00001.
gnomAD v4.1: 7 of 1,613,578 alleles (0.00043%); highest among the groups gnomAD compares: Admixed American, 0.0083%; no homozygotes.

Submissions (2):

Labcorp Genetics (formerly Invitae), Labcorp
Classification: Uncertain significance for Hereditary spastic paraplegia 11. Last evaluated: 2022-06-13. Review status: criteria provided, single submitter. Criteria: Invitae Variant Classification Sherloc (09022015). Collection method: clinical testing. Allele origin: germline.
Comment: This sequence change replaces aspartic acid, which is acidic and polar, with glycine, which is neutral and non-polar, at codon 663 of the SPG11 protein (p.Asp663Gly). This variant is present in population databases (no rsID available, gnomAD 0.003%). This variant has not been reported in the literature in individuals affected with SPG11-related conditions. ClinVar contains an entry for this variant (Variation ID: 466511). Algorithms developed to predict the effect of missense changes on protein structure and function are either unavailable or do not agree on the potential impact of this missense change (SIFT: "Tolerated"; PolyPhen-2: "Probably Damaging"; Align-GVGD: "Class C0"). Algorithms developed to predict the effect of sequence changes on RNA splicing suggest that this variant may create or strengthen a splice site. In summary, the available evidence is currently insufficient to determine the role of this variant in disease. Therefore, it has been classified as a Variant of Uncertain Significance.

Ambry Genetics
Classification: Uncertain significance for Inborn genetic diseases. Last evaluated: 2021-09-15. Review status: criteria provided, single submitter. Criteria: Ambry Variant Classification Scheme 2023. Collection method: clinical testing. Allele origin: germline.